The following is an entry in ClinVar:

ClinVar aggregate classification (germline): Pathogenic. Review status: criteria provided, multiple submitters, no conflicts (2 of 4 stars). 2 submissions from 2 submitters: Pathogenic (2). Last evaluated 2025-07-21.

Conditions:
Autosomal recessive limb-girdle muscular dystrophy type 2A (LGMDR1). Also called: Limb-girdle muscular dystrophy, type 2A; Calpainopathy; LEYDEN-MOEBIUS MUSCULAR DYSTROPHY; MUSCULAR DYSTROPHY, PELVOFEMORAL; Muscular dystrophy, limb-girdle, type 2A, Amish. Identifiers: Orphanet 267, MedGen C1869123, MONDO:0009675, OMIM 253600. Disease mechanism: loss of function.

Submissions (2):

Labcorp Genetics (formerly Invitae), Labcorp
Classification: Pathogenic for Autosomal recessive limb-girdle muscular dystrophy type 2A. Last evaluated: 2025-07-21. Review status: criteria provided, single submitter. Criteria: Invitae Variant Classification Sherloc (09022015). Collection method: clinical testing. Allele origin: germline.
Comment: This sequence change creates a premature translational stop signal (p.Leu138Profs*15) in the CAPN3 gene. It is expected to result in an absent or disrupted protein product. Loss-of-function variants in CAPN3 are known to be pathogenic (PMID: 10330340, 15689361). This variant is not present in population databases (gnomAD no frequency). This premature translational stop signal has been observed in individual(s) with clinical features of autosomal recessive limb-girdle muscular dystrophy (PMID: 29797799). This variant is also known as c.411dup. ClinVar contains an entry for this variant (Variation ID: 1076915). For these reasons, this variant has been classified as Pathogenic.

Revvity Omics, Revvity
Classification: Pathogenic. Last evaluated: 2025-06-18. Review status: criteria provided, single submitter. Criteria: ACMG Guidelines, 2015. Collection method: clinical testing. Allele origin: germline.

Literature cited by the submitters: PubMed 10330340 (cited by Labcorp Genetics (formerly Invitae), Labcorp); PubMed 15689361 (cited by Labcorp Genetics (formerly Invitae), Labcorp); PubMed 29797799 (cited by Labcorp Genetics (formerly Invitae), Labcorp).

NM_000070.3(CAPN3):c.412dup (p.Leu138fs)

Genes: CAPN3 (calpain 3; plus strand), LOC126862115 (BRD4-independent group 4 enhancer GRCh37_chr15:42677734-42678933; plus strand). Cytogenetic location: 15q15.1.
Variant type: Duplication.
Coding change: c.412dup on transcript NM_000070.3 (MANE Select); coding-DNA position 412, one base duplicated (C; older notation c.412dupC).
Protein change: p.Leu138fs; shifts the reading frame from leucine 138.
Molecular consequence: frameshift variant.
Genome position (GRCh38, 1-based): chr15:42,386,199, C duplicated; the last of 2 consecutive C bases (chr15:42,386,198-42,386,199); duplicating either gives the same sequence. VCF-style (leftmost placement, unchanged base first): chr15-42386197-G-GC. GRCh37 (hg19) VCF-style: chr15-42678395-G-GC.
Other names: c.412dup, p.Leu138fs (NM_024344.2, NM_173087.2); short protein forms L138fs.
Identifiers: ClinVar variation 1076915 (VCV001076915.8), dbSNP rs2141160513, ClinGen allele CA2499222921.